The following is an entry in ClinVar:

ClinVar aggregate classification (germline): Uncertain significance (1 of 4 stars; one submission).

Conditions:
Hyperkalemic periodic paralysis. Also called: Familial hyperkalemic periodic paralysis; Gamstorp disease. Identifiers: Orphanet 682, MedGen C0238357, MONDO:0008224, OMIM 170500, HP:0007215.

Submission:

Labcorp Genetics (formerly Invitae), Labcorp
Classification: Uncertain significance for Hyperkalemic periodic paralysis. Last evaluated: 2022-04-28. Review status: criteria provided, single submitter. Criteria: Invitae Variant Classification Sherloc (09022015). Collection method: clinical testing. Allele origin: germline.
Comment: This sequence change replaces isoleucine, which is neutral and non-polar, with phenylalanine, which is neutral and non-polar, at codon 1037 of the SCN4A protein (p.Ile1037Phe). In summary, the available evidence is currently insufficient to determine the role of this variant in disease. Therefore, it has been classified as a Variant of Uncertain Significance. Algorithms developed to predict the effect of missense changes on protein structure and function are either unavailable or do not agree on the potential impact of this missense change (SIFT: "Deleterious"; PolyPhen-2: "Probably Damaging"; Align-GVGD: "Class C0"). This variant has not been reported in the literature in individuals affected with SCN4A-related conditions. This variant is not present in population databases (gnomAD no frequency).

NM_000334.4(SCN4A):c.3109A>T (p.Ile1037Phe)

Genes: GH-LCR (growth hormone locus control region; plus strand), SCN4A (sodium voltage-gated channel alpha subunit 4; minus strand). Cytogenetic location: 17q23.3.
Variant type: single nucleotide variant.
Coding change: c.3109A>T on transcript NM_000334.4 (MANE Select); coding-DNA position 3109, A replaced by T.
Protein change: p.Ile1037Phe; replaces isoleucine 1037 with phenylalanine.
Molecular consequence: missense variant.
Genome position (GRCh38, 1-based): chr17:63,948,646, T>A on the plus strand (A>T on the coding strand, the complement: SCN4A is on the minus strand). VCF-style: chr17-63948646-T-A. GRCh37 (hg19) VCF-style: chr17-62026006-T-A.
Other names: short protein forms I1037F.
Identifiers: ClinVar variation 2131035 (VCV002131035.4), dbSNP rs1258580608, ClinGen allele CA400621572.